The following is an entry in ClinVar:

NM_000334.4(SCN4A):c.2174G>A (p.Ser725Asn)

Genes: GH-LCR (growth hormone locus control region; plus strand), SCN4A (sodium voltage-gated channel alpha subunit 4; minus strand). Cytogenetic location: 17q23.3.
Variant type: single nucleotide variant.
Coding change: c.2174G>A on transcript NM_000334.4 (MANE Select); coding-DNA position 2174, G replaced by A.
Protein change: p.Ser725Asn; replaces serine 725 with asparagine.
Molecular consequence: missense variant.
Genome position (GRCh38, 1-based): chr17:63,957,364, C>T on the plus strand (G>A on the coding strand, the complement: SCN4A is on the minus strand). VCF-style: chr17-63957364-C-T. GRCh37 (hg19) VCF-style: chr17-62034724-C-T.
Other names: short protein forms S725N.
Identifiers: ClinVar variation 2902069 (VCV002902069.3), dbSNP rs755379305, ClinGen allele CA8709646.

ClinVar aggregate classification (germline): Uncertain significance (1 of 4 stars; one submission).

Conditions:
Hyperkalemic periodic paralysis. Also called: Familial hyperkalemic periodic paralysis; Gamstorp disease. Identifiers: Orphanet 682, MedGen C0238357, MONDO:0008224, OMIM 170500, HP:0007215.

Allele frequency attached by ClinVar (database versions not stated): gnomAD exomes below 0.00001; ExAC 0.00001.
gnomAD v4.1: 4 of 1,614,018 alleles (0.00025%); highest among the groups gnomAD compares: Non-Finnish European, 0.000085%; no homozygotes.

Submission:

Labcorp Genetics (formerly Invitae), Labcorp
Classification: Uncertain significance for Hyperkalemic periodic paralysis. Last evaluated: 2025-10-01. Review status: criteria provided, single submitter. Criteria: Invitae Variant Classification Sherloc (09022015). Collection method: clinical testing. Allele origin: germline.
Comment: This sequence change replaces serine, which is neutral and polar, with asparagine, which is neutral and polar, at codon 725 of the SCN4A protein (p.Ser725Asn). This variant is present in population databases (rs755379305, gnomAD 0.006%). This variant has not been reported in the literature in individuals affected with SCN4A-related conditions. ClinVar contains an entry for this variant (Variation ID: 2902069). Invitae Evidence Modeling of protein sequence and biophysical properties (such as structural, functional, and spatial information, amino acid conservation, physicochemical variation, residue mobility, and thermodynamic stability) indicates that this missense variant is not expected to disrupt SCN4A protein function with a negative predictive value of 95%. In summary, the available evidence is currently insufficient to determine the role of this variant in disease. Therefore, it has been classified as a Variant of Uncertain Significance.